The following is an entry in ClinVar:

ClinVar aggregate classification (germline): Uncertain significance. Review status: criteria provided, multiple submitters, no conflicts (2 of 4 stars). 2 submissions from 2 submitters: Uncertain significance (2). Last evaluated 2025-02-14.

Conditions:
Inborn genetic diseases. Identifiers: MedGen C0950123, MeSH D030342.

Allele frequency attached by ClinVar (database versions not stated): TOPMed 0.00010; gnomAD 0.00014; ExAC 0.00004; ESP Exome Variant Server 0.00015; gnomAD exomes 0.00002; 1000 Genomes Project 30x 0.00016; 1000 Genomes Project 0.00020.
gnomAD v4.1: 51 of 1,609,034 alleles (0.0032%); highest among the groups gnomAD compares: African/African-American, 0.052%; no homozygotes.

Submissions (2):

Ambry Genetics
Classification: Uncertain significance for Inborn genetic diseases. Last evaluated: 2025-02-14. Review status: criteria provided, single submitter. Criteria: Ambry Variant Classification Scheme 2023. Collection method: clinical testing. Allele origin: germline.

Labcorp Genetics (formerly Invitae), Labcorp
Classification: Uncertain significance. Last evaluated: 2022-06-13. Review status: criteria provided, single submitter. Criteria: Invitae Variant Classification Sherloc (09022015). Collection method: clinical testing. Allele origin: germline.
Comment: This sequence change replaces arginine, which is basic and polar, with histidine, which is basic and polar, at codon 1086 of the INPPL1 protein (p.Arg1086His). This variant is present in population databases (rs138596491, gnomAD 0.04%). This variant has not been reported in the literature in individuals affected with INPPL1-related conditions. Algorithms developed to predict the effect of missense changes on protein structure and function are either unavailable or do not agree on the potential impact of this missense change (SIFT: "Deleterious"; PolyPhen-2: "Possibly Damaging"; Align-GVGD: "Class C0"). In summary, the available evidence is currently insufficient to determine the role of this variant in disease. Therefore, it has been classified as a Variant of Uncertain Significance.

NM_001567.4(INPPL1):c.3257G>A (p.Arg1086His)

Gene: INPPL1 (inositol polyphosphate phosphatase like 1; plus strand). Cytogenetic location: 11q13.4.
Variant type: single nucleotide variant.
Coding change: c.3257G>A on transcript NM_001567.4 (MANE Select); coding-DNA position 3257, G replaced by A.
Protein change: p.Arg1086His; replaces arginine 1086 with histidine.
Molecular consequence: missense variant.
Genome position (GRCh38, 1-based): chr11:72,237,501, G>A. VCF-style: chr11-72237501-G-A. GRCh37 (hg19) VCF-style: chr11-71948545-G-A.
Other names: c.3257G>A (NM_001567.3); short protein forms R1086H.
Identifiers: ClinVar variation 1388812 (VCV001388812.6), dbSNP rs138596491, ClinGen allele CA6170595.